The following is an entry in ClinVar:

ClinVar aggregate classification (germline): Pathogenic/Likely pathogenic. Review status: criteria provided, multiple submitters, no conflicts (2 of 4 stars). 4 submissions from 4 submitters: Pathogenic (2); Likely pathogenic (1). 1 of the submissions does not count toward it. Last evaluated 2024-11-28.

Conditions:
ASXL1-related disorder. Also called: ASXL1-related disorders; ASXL1-related condition.
Bohring-Opitz syndrome. Also called: C-LIKE SYNDROME; OPITZ TRIGONOCEPHALY-LIKE SYNDROME; ASXL1-Related Bohring-Opitz Syndrome; BOHRING SYNDROME. Identifiers: Orphanet 97297, MedGen C0796232, MONDO:0011510, OMIM 605039.

Submissions (4):

3billion
Classification: Likely pathogenic for Bohring-Opitz syndrome. Last evaluated: 2024-11-28. Review status: criteria provided, single submitter. Criteria: ACMG Guidelines, 2015. Collection method: clinical testing. Allele origin: germline. Affected: yes.
Comment: The variant is not observed in the gnomAD v4.1.0 dataset. Predicted Consequence/Location: Stop-gained (nonsense): predicted to result in a loss or disruption of normal protein function through protein truncation. The predicted truncated protein may be shortened by more than 10%. The variant has been reported at least twice as pathogenic without evidence for the classification (ClinVar ID: VCV000560957). Therefore, this variant is classified as Likely pathogenic according to the recommendation of ACMG/AMP guideline.

Blueprint Genetics
Classification: Pathogenic for ASXL1-related disorders. Last evaluated: 2023-09-15. Review status: criteria provided, single submitter. Criteria: ACMG Guidelines, 2015. Collection method: clinical testing. Allele origin: germline. Affected: yes. Observed: 1 variant allele.

Baylor Genetics
Classification: Pathogenic for Bohring-Opitz syndrome. Last evaluated: 2017-09-01. Review status: criteria provided, single submitter. Criteria: ACMG Guidelines, 2015. Collection method: clinical testing. Allele origin: de novo. Inheritance: Autosomal dominant inheritance. Affected: yes.
Comment: This nonsense mutation is categorized as deleterious according to ACMG guidelines (PMID:18414213).

Centre de Biologie Pathologie Génétique, Centre Hospitalier Universitaire de Lille
Classification: Pathogenic for Bohring-Opitz syndrome. Last evaluated: 2019-01-01. Review status: no assertion criteria provided. Collection method: clinical testing. Allele origin: de novo. Affected: yes. Not counted in ClinVar's aggregate classification.

Literature cited by the submitters: PubMed 25326635 (cited by Baylor Genetics).

NM_015338.6(ASXL1):c.3700C>T (p.Gln1234Ter)

Gene: ASXL1 (ASXL transcriptional regulator 1; plus strand). Cytogenetic location: 20q11.21.
Variant type: single nucleotide variant.
Coding change: c.3700C>T on transcript NM_015338.6 (MANE Select); coding-DNA position 3700, C replaced by T.
Protein change: p.Gln1234Ter; replaces glutamine 1234 with a stop codon.
Molecular consequence: nonsense.
Genome position (GRCh38, 1-based): chr20:32,436,412, C>T. VCF-style: chr20-32436412-C-T. GRCh37 (hg19) VCF-style: chr20-31024215-C-T.
Other names: c.3517C>T, p.Gln1173Ter (NM_001363734.1); short protein forms Q1234*, Q1173*.
Identifiers: ClinVar variation 560957 (VCV000560957.5), dbSNP rs1569337452, ClinGen allele CA408563613.